The following is an entry in ClinVar:

ClinVar aggregate classification (germline): Uncertain significance (1 of 4 stars; one submission).

Conditions:
Retinitis pigmentosa-juvenile cataract-short stature-intellectual disability syndrome. Also called: Retinal dystrophy, juvenile cataracts, and short stature syndrome. Identifiers: Orphanet 436245, MedGen C4015242, MONDO:0014495, OMIM 616108.

Allele frequency attached by ClinVar (database versions not stated): gnomAD exomes below 0.00001; TOPMed below 0.00001 and 0.00001.
gnomAD v4.1: 11 of 1,607,432 alleles (0.00068%); highest among the groups gnomAD compares: Admixed American, 0.0017%; no homozygotes.

Submission:

Baylor Genetics
Classification: Uncertain significance for Retinitis pigmentosa-juvenile cataract-short stature-intellectual disability syndrome. Last evaluated: 2020-08-01. Review status: criteria provided, single submitter. Criteria: ACMG Guidelines, 2015. Collection method: clinical testing. Allele origin: unknown. Affected: yes.
Comment: This variant was determined to be of uncertain significance according to ACMG Guidelines, 2015 [PMID:25741868].

NM_016026.4(RDH11):c.847C>A (p.His283Asn)

Genes: GPHN (gephyrin; plus strand), RDH11 (retinol dehydrogenase 11; minus strand). Cytogenetic location: 14q24.1.
Variant type: single nucleotide variant.
Coding change: c.847C>A on transcript NM_016026.4 (MANE Select); coding-DNA position 847, C replaced by A.
Protein change: p.His283Asn; replaces histidine 283 with asparagine.
Molecular consequence: missense variant.
Genome position (GRCh38, 1-based): chr14:67,685,022, G>T on the plus strand (C>A on the coding strand, the complement: RDH11 is on the minus strand). VCF-style: chr14-67685022-G-T. GRCh37 (hg19) VCF-style: chr14-68151739-G-T.
Other names: c.637C>A, p.His213Asn (NM_001252650.2); short protein forms H283N, H213N.
Identifiers: ClinVar variation 1029425 (VCV001029425.1), dbSNP rs1472414494, ClinGen allele CA390130473.
Genomic context (GRCh38, chr14:67,685,022, plus strand): 5'-ATTATCTCCTTTGAGCAATAAATCTCATCTGCAAAAAGAGATAACATTCATACCTGAAAT[G>T]ATTCCCACTTAGAATCTCAAGACCTTCTGTTAAGGCACAGTGCAGGCTGGTCTGGGCTCC-3'
Protein context (NP_057110.3, residues 273-293): TEGLEILSGN[His283Asn]FSDCHVAWVS